The following is an entry in ClinVar:

NM_007055.4(POLR3A):c.1549G>A (p.Ala517Thr)

Gene: POLR3A (RNA polymerase III subunit A; minus strand). Cytogenetic location: 10q22.3.
Variant type: single nucleotide variant.
Coding change: c.1549G>A on transcript NM_007055.4 (MANE Select); coding-DNA position 1549, G replaced by A.
Protein change: p.Ala517Thr; replaces alanine 517 with threonine.
Molecular consequence: missense variant.
Genome position (GRCh38, 1-based): chr10:78,013,673, C>T on the plus strand (G>A on the coding strand, the complement: POLR3A is on the minus strand). VCF-style: chr10-78013673-C-T. GRCh37 (hg19) VCF-style: chr10-79773431-C-T.
Other names: short protein forms A517T.
Identifiers: ClinVar variation 5007743 (VCV005007743.2).

ClinVar aggregate classification (germline): Uncertain significance (1 of 4 stars; one submission).

Conditions:
Leukodystrophy, hypomyelinating, 7, with or without oligodontia and/or hypogonadotropic hypogonadism (HLD7). Also called: LEUKOENCEPHALOPATHY, HYPOMYELINATING, WITH ATAXIA AND DELAYED DENTITION; ATAXIA, DELAYED DENTITION, AND HYPOMYELINATION; LEUKODYSTROPHY, HYPOMYELINATING, 7, WITH OLIGODONTIA; LEUKODYSTROPHY, HYPOMYELINATING, 7, WITH OLIGODONTIA AND HYPOGONADOTROPIC HYPOGONADISM; LEUKODYSTROPHY, HYPOMYELINATING, 7, WITHOUT OLIGODONTIA OR HYPOGONADOTROPIC HYPOGONADISM; Ataxia, Delayed Dentition and Hypomyelination (ADDH). Identifiers: Orphanet 137639, Orphanet 447893, Orphanet 447896, Orphanet 77295, Orphanet 88637, MedGen CN034185, MONDO:0011897, OMIM 607694.
Neonatal pseudo-hydrocephalic progeroid syndrome. Also called: Wiedemann-Rautenstrauch syndrome. Identifiers: Orphanet 3455, MedGen C0406586, MONDO:0009910, OMIM 264090.

gnomAD v4.1: 5 of 1,614,010 alleles (0.00031%); highest among the groups gnomAD compares: Non-Finnish European, 0.00042%; no homozygotes.

Submission:

Juno Genomics, Hangzhou Juno Genomics, Inc
Classification: Uncertain significance for Neonatal pseudo-hydrocephalic progeroid syndrome; Leukodystrophy, hypomyelinating, 7, with or without oligodontia and/or hypogonadotropic hypogonadism. Review status: criteria provided, single submitter. Criteria: ACMG Guidelines, 2015. Collection method: clinical testing. Allele origin: germline.
Comment: Missense variant in a gene that has a low rate of benign missense variation.;Multiple lines of computational evidence support a deleterious effect on the gene or gene product.;Absent from controls (or at extremely low frequency if recessive) in Genome Aggregation Database.